The following is an entry in ClinVar:

NM_024996.7(GFM1):c.1525G>T (p.Glu509Ter)

Gene: GFM1 (G elongation factor mitochondrial 1; plus strand). Cytogenetic location: 3q25.32.
Variant type: single nucleotide variant.
Coding change: c.1525G>T on transcript NM_024996.7 (MANE Select); coding-DNA position 1525, G replaced by T.
Protein change: p.Glu509Ter; replaces glutamic acid 509 with a stop codon.
Molecular consequence: nonsense. On other transcripts: non-coding transcript variant (4).
Genome position (GRCh38, 1-based): chr3:158,666,310, G>T. VCF-style: chr3-158666310-G-T. GRCh37 (hg19) VCF-style: chr3-158384099-G-T.
Other names: c.1582G>T, p.Glu528Ter (NM_001308164.2); c.1525G>T, p.Glu509Ter (NM_001308166.2); c.1444G>T, p.Glu482Ter (NM_001374355.1); c.1408G>T, p.Glu470Ter (NM_001374356.1); c.1300G>T, p.Glu434Ter (NM_001374357.1); c.1066G>T, p.Glu356Ter (NM_001374358.1); c.958G>T, p.Glu320Ter (NM_001374359.1, NM_001374360.1); c.841G>T, p.Glu281Ter (NM_001374361.1); short protein forms E281*, E320*, E356*, E434*, E470*, E482*, E509*, E528*.
Identifiers: ClinVar variation 2636446 (VCV002636446.4), dbSNP rs2474011247, ClinGen allele CA355178495.
Genomic context (GRCh38, chr3:158,666,310, plus strand): 5'-TTTCTTTCGGTTTATTTTTTTAAATTTAAATAATATTTTCCCCACTCTTTTTAGAGGCTG[G>T]AAAGAGAGTATGGCTGTCCTTGTATCACAGGAAAGCCAAAAGTTGCCTTTCGAGAGACCA-3'

ClinVar aggregate classification (germline): Pathogenic/Likely pathogenic. Review status: criteria provided, multiple submitters, no conflicts (2 of 4 stars). 2 submissions from 2 submitters: Pathogenic (1); Likely pathogenic (1). Last evaluated 2023-03-03.

Conditions:
GFM1-related disorder. Also called: GFM1-related condition.

Submissions (2):

Labcorp Genetics (formerly Invitae), Labcorp
Classification: Pathogenic. Last evaluated: 2023-03-03. Review status: criteria provided, single submitter. Criteria: Invitae Variant Classification Sherloc (09022015). Collection method: clinical testing. Allele origin: germline.
Comment: This variant has not been reported in the literature in individuals affected with GFM1-related conditions. For these reasons, this variant has been classified as Pathogenic. This sequence change creates a premature translational stop signal (p.Glu509*) in the GFM1 gene. It is expected to result in an absent or disrupted protein product. Loss-of-function variants in GFM1 are known to be pathogenic (PMID: 16632485, 17160893). This variant is not present in population databases (gnomAD no frequency).

PreventionGenetics, part of Exact Sciences
Classification: Likely pathogenic for GFM1-related condition. Last evaluated: 2022-08-23. Review status: criteria provided, single submitter. Criteria: ACMG Guidelines, 2015. Collection method: clinical testing. Allele origin: germline.
Comment: The GFM1 c.1582G>T variant is predicted to result in premature protein termination (p.Glu528*). To our knowledge, this variant has not been reported in the literature or in a large population database, indicating this variant is rare. Nonsense variants in GFM1 are expected to be pathogenic. This variant is interpreted as likely pathogenic.

Literature cited by the submitters: PubMed 16632485 (cited by Labcorp Genetics (formerly Invitae), Labcorp); PubMed 17160893 (cited by Labcorp Genetics (formerly Invitae), Labcorp).